The following is an entry in ClinVar:

ClinVar aggregate classification (germline): Uncertain significance (1 of 4 stars; one submission).

Conditions:
Cardiovascular phenotype. Identifiers: MedGen CN230736.

Allele frequency attached by ClinVar (database versions not stated): TOPMed below 0.00001; gnomAD exomes below 0.00001.
gnomAD v4.1: 1 of 1,614,202 alleles (0.000062%); highest among the groups gnomAD compares: Non-Finnish European, 0.000085%; no homozygotes.

Submission:

Ambry Genetics
Classification: Uncertain significance for Cardiovascular phenotype. Last evaluated: 2026-01-08. Review status: criteria provided, single submitter. Criteria: Ambry Variant Classification Scheme 2023. Collection method: clinical testing. Allele origin: germline.
Comment: The p.A556S variant (also known as c.1666G>T), located in coding exon 12 of the VCL gene, results from a G to T substitution at nucleotide position 1666. The alanine at codon 556 is replaced by serine, an amino acid with similar properties. This amino acid position is highly conserved in available vertebrate species. In addition, this alteration is predicted to be tolerated by in silico analysis. Based on the available evidence, the clinical significance of this variant remains unclear.

NM_014000.3(VCL):c.1666G>T (p.Ala556Ser)

Gene: VCL (vinculin; plus strand). Cytogenetic location: 10q22.2.
Variant type: single nucleotide variant.
Coding change: c.1666G>T on transcript NM_014000.3 (MANE Select); coding-DNA position 1666, G replaced by T.
Protein change: p.Ala556Ser; replaces alanine 556 with serine.
Molecular consequence: missense variant.
Genome position (GRCh38, 1-based): chr10:74,095,778, G>T. VCF-style: chr10-74095778-G-T. GRCh37 (hg19) VCF-style: chr10-75855536-G-T.
Other names: c.1666G>T, p.Ala556Ser (NM_003373.4); short protein forms A556S.
Identifiers: ClinVar variation 2586043 (VCV002586043.3), dbSNP rs1166030670, ClinGen allele CA377274959.
Genomic context (GRCh38, chr10:74,095,778, plus strand): 5'-CCTTATCGGCAAGATCTTCTCGCCAAGTGTGACCGAGTGGACCAGCTGACAGCCCAGCTG[G>T]CTGACCTGGCTGCCAGAGGGGAAGGGGAGAGTCCTCAGGCACGAGCACTTGCATCTCAGC-3'
Protein context (NP_054706.1, residues 546-566): DRVDQLTAQL[Ala556Ser]DLAARGEGES